The following is an entry in ClinVar:

ClinVar aggregate classification (germline): Uncertain significance (1 of 4 stars; one submission).

Conditions:
Rienhoff syndrome. Also called: LOEYS-DIETZ SYNDROME 5. Identifiers: MedGen C3810012, MONDO:0014262, OMIM 615582.

Submission:

Labcorp Genetics (formerly Invitae), Labcorp
Classification: Uncertain significance for Rienhoff syndrome. Last evaluated: 2022-08-07. Review status: criteria provided, single submitter. Criteria: Invitae Variant Classification Sherloc (09022015). Collection method: clinical testing. Allele origin: germline.
Comment: This variant has not been reported in the literature in individuals affected with TGFB3-related conditions. This variant is not present in population databases (gnomAD no frequency). This sequence change replaces valine, which is neutral and non-polar, with aspartic acid, which is acidic and polar, at codon 153 of the TGFB3 protein (p.Val153Asp). Algorithms developed to predict the effect of missense changes on protein structure and function are either unavailable or do not agree on the potential impact of this missense change (SIFT: "Deleterious"; PolyPhen-2: "Possibly Damaging"; Align-GVGD: "Class C0"). In summary, the available evidence is currently insufficient to determine the role of this variant in disease. Therefore, it has been classified as a Variant of Uncertain Significance.

NM_003239.5(TGFB3):c.458T>A (p.Val153Asp)

Gene: TGFB3 (transforming growth factor beta 3; minus strand). Cytogenetic location: 14q24.3.
Variant type: single nucleotide variant.
Coding change: c.458T>A on transcript NM_003239.5 (MANE Select); coding-DNA position 458, T replaced by A.
Protein change: p.Val153Asp; replaces valine 153 with aspartic acid.
Molecular consequence: missense variant.
Genome position (GRCh38, 1-based): chr14:75,971,613, A>T on the plus strand (T>A on the coding strand, the complement: TGFB3 is on the minus strand). VCF-style: chr14-75971613-A-T. GRCh37 (hg19) VCF-style: chr14-76437956-A-T.
Other names: c.458T>A, p.Val153Asp (NM_001329938.2, NM_001329939.2); short protein forms V153D.
Identifiers: ClinVar variation 1715526 (VCV001715526.6), dbSNP rs2140245773, ClinGen allele CA390470059.
Genomic context (GRCh38, chr14:75,971,613, plus strand): 5'-ACCTGGAAGAGCTCGATCCTCTGCTCATTCCGCTTAGAGCTGGGGTTGGGCACCCGCAAG[A>T]CCCGGAATTCTGCTCGGAATAGGTTGGTTCTATTTTTCTCCACTGAGGACACATTGAAGC-3'
Protein context (NP_003230.1, residues 143-163): RTNLFRAEFR[Val153Asp]LRVPNPSSKR